The following is an entry in ClinVar:

NM_005359.6(SMAD4):c.351T>C (p.Tyr117=)

Gene: SMAD4 (SMAD family member 4; plus strand). Cytogenetic location: 18q21.2.
Variant type: single nucleotide variant.
Coding change: c.351T>C on transcript NM_005359.6 (MANE Select); coding-DNA position 351, T replaced by C.
Protein change: p.Tyr117=; no amino-acid change (tyrosine 117 retained).
Molecular consequence: synonymous variant.
Genome position (GRCh38, 1-based): chr18:51,048,787, T>C. VCF-style: chr18-51048787-T-C. GRCh37 (hg19) VCF-style: chr18-48575157-T-C.
Identifiers: ClinVar variation 529961 (VCV000529961.15), dbSNP rs1555685176, ClinGen allele CA503873594.

ClinVar aggregate classification (germline): Benign/Likely benign. Review status: criteria provided, multiple submitters, no conflicts (2 of 4 stars). 3 submissions from 3 submitters: Benign (1); Likely benign (2). Last evaluated 2026-01-19.

Conditions:
Juvenile polyposis syndrome (JPS). Identifiers: Orphanet 2929, MedGen C0345893, MONDO:0017380, OMIM 174900.
Hereditary cancer-predisposing syndrome. Also called: Hereditary neoplastic syndrome; Tumor predisposition; Neoplastic Syndromes, Hereditary; Hereditary Cancer Syndrome. Identifiers: Orphanet 140162, MedGen C0027672, MeSH D009386, MONDO:0015356.
Familial thoracic aortic aneurysm and aortic dissection (TAAD). Also called: Thoracic aortic aneurysms and dissections. Identifiers: Orphanet 91387, MedGen C4707243, MONDO:0019625.
Juvenile polyposis/hereditary hemorrhagic telangiectasia syndrome (JPHT). Also called: Juvenile Polyposis Syndrome / Hereditary Hemorrhagic Telangiectasia (JPS/HHT); JP/HHT SYNDROME; JUVENILE POLYPOSIS WITH HEREDITARY HEMORRHAGIC TELANGIECTASIA; POLYPOSIS, GENERALIZED JUVENILE, WITH PULMONARY ARTERIOVENOUS MALFORMATION; TELANGIECTASIA, HEREDITARY HEMORRHAGIC, WITH JUVENILE POLYPOSIS COLI. Identifiers: Orphanet 2929, MedGen C1832942, MONDO:0008278, OMIM 175050.

Submissions (3):

Labcorp Genetics (formerly Invitae), Labcorp
Classification: Likely benign for Juvenile polyposis syndrome. Last evaluated: 2026-01-19. Review status: criteria provided, single submitter. Criteria: Invitae Variant Classification Sherloc (09022015). Collection method: clinical testing. Allele origin: germline.

Myriad Genetics, Inc.
Classification: Benign for Juvenile polyposis/hereditary hemorrhagic telangiectasia syndrome. Last evaluated: 2025-03-18. Review status: criteria provided, single submitter. Criteria: Myriad Autosomal Dominant, Autosomal Recessive and X-Linked Classification Criteria (2023). Collection method: clinical testing. Allele origin: unknown.
Comment: This variant is considered benign. This variant is a silent/synonymous amino acid change and it is not expected to impact splicing.

Ambry Genetics
Classification: Likely benign for Hereditary cancer-predisposing syndrome; Familial thoracic aortic aneurysm and aortic dissection. Last evaluated: 2019-02-19. Review status: criteria provided, single submitter. Criteria: Ambry Variant Classification Scheme 2023. Collection method: clinical testing. Allele origin: germline.